The following is an entry in ClinVar:

NM_198935.3(SS18L1):c.24C>T (p.Ala8=)

Genes: SS18L1 (SS18L1 subunit of BAF chromatin remodeling complex; plus strand), LOC130066293 (ATAC-STARR-seq lymphoblastoid silent region 13099; plus strand). Cytogenetic location: 20q13.33.
Variant type: single nucleotide variant.
Coding change: c.24C>T on transcript NM_198935.3 (MANE Select); coding-DNA position 24, C replaced by T.
Protein change: p.Ala8=; no amino-acid change (alanine 8 retained).
Molecular consequence: synonymous variant. On other transcripts: 5 prime UTR variant (1), non-coding transcript variant (2).
Genome position (GRCh38, 1-based): chr20:62,143,844, C>T. VCF-style: chr20-62143844-C-T. GRCh37 (hg19) VCF-style: chr20-60718900-C-T.
Other names: c.-475C>T (NM_001301778.2).
Identifiers: ClinVar variation 721046 (VCV000721046.5), dbSNP rs7273122, ClinGen allele CA9936849.

ClinVar aggregate classification (germline): Benign. Review status: criteria provided, single submitter (1 of 4 stars). 2 submissions from 2 submitters: Benign (1). 1 of the submissions does not count toward it. Last evaluated 2018-07-15.

Conditions:
SS18L1-related disorder. Also called: SS18L1-related condition.

Allele frequency attached by ClinVar (database versions not stated): gnomAD 0.00400 and 0.00438; ESP Exome Variant Server 0.00425; gnomAD exomes 0.00037 and 0.00076; TOPMed 0.00420; 1000 Genomes Project 0.00419; 1000 Genomes Project 30x 0.00515; ExAC 0.00104.
gnomAD v4.1: 1,031 of 1,329,180 alleles (0.078%); highest among the groups gnomAD compares: African/African-American, 1.4%; 4 homozygotes.

Submissions (2):

Labcorp Genetics (formerly Invitae), Labcorp
Classification: Benign. Last evaluated: 2018-07-15. Review status: criteria provided, single submitter. Criteria: Invitae Variant Classification Sherloc (09022015). Collection method: clinical testing. Allele origin: germline.

PreventionGenetics, part of Exact Sciences
Classification: Benign for SS18L1-related condition. Last evaluated: 2019-06-19. Review status: no assertion criteria provided. Collection method: clinical testing. Allele origin: germline. Not counted in ClinVar's aggregate classification.
Comment: This variant is classified as benign based on ACMG/AMP sequence variant interpretation guidelines (Richards et al. 2015 PMID: 25741868, with internal and published modifications).